The following is an entry in ClinVar:

ClinVar aggregate classification (germline): Uncertain significance. Review status: criteria provided, multiple submitters, no conflicts (2 of 4 stars). 4 submissions from 4 submitters: Uncertain significance (3). 1 of the submissions does not count toward it. Last evaluated 2024-04-02.

Conditions:
Meckel syndrome, type 5 (MKS5). Identifiers: Orphanet 564, MedGen C1969052, MONDO:0012695, OMIM 611561.
COACH syndrome 3. Identifiers: MedGen C5436841, MONDO:0030862, OMIM 619113.
Joubert syndrome 7 (JBTS7). Identifiers: Orphanet 220497, MedGen C1969053, MONDO:0012694, OMIM 611560.
RPGRIP1L-related disorder. Also called: RPGRIP1L-related condition; RPGRIP1L-related disorders. Identifiers: MedGen CN239416.
Meckel-Gruber syndrome. Also called: DYSENCEPHALIA SPLANCHNOCYSTICA; GRUBER SYNDROME; Dysencephalia splachnocystica. Identifiers: Orphanet 564, MedGen C0265215, MONDO:0018921.
Joubert syndrome. Also called: JOUBERT-BOLTSHAUSER SYNDROME; Familial aplasia of the vermis. Identifiers: Orphanet 475, MedGen C5979921, MONDO:0018772.

Allele frequency attached by ClinVar (database versions not stated): gnomAD exomes below 0.00001 and 0.00001; TOPMed 0.00002.
gnomAD v4.1: 11 of 1,614,146 alleles (0.00068%); highest among the groups gnomAD compares: Middle Eastern, 0.016%; no homozygotes.

Submissions (4):

Blueprint Genetics
Classification: Uncertain significance. Last evaluated: 2024-04-02. Review status: criteria provided, single submitter. Criteria: ACMG Guidelines, 2015. Collection method: clinical testing. Allele origin: germline.

Labcorp Genetics (formerly Invitae), Labcorp
Classification: Uncertain significance for Joubert syndrome; Meckel-Gruber syndrome. Last evaluated: 2022-03-10. Review status: criteria provided, single submitter. Criteria: Invitae Variant Classification Sherloc (09022015). Collection method: clinical testing. Allele origin: germline.
Comment: This sequence change replaces tyrosine, which is neutral and polar, with cysteine, which is neutral and slightly polar, at codon 638 of the RPGRIP1L protein (p.Tyr638Cys). This variant is present in population databases (no rsID available, gnomAD 0.006%). This variant has not been reported in the literature in individuals affected with RPGRIP1L-related conditions. Algorithms developed to predict the effect of missense changes on protein structure and function (SIFT, PolyPhen-2, Align-GVGD) all suggest that this variant is likely to be disruptive. In summary, the available evidence is currently insufficient to determine the role of this variant in disease. Therefore, it has been classified as a Variant of Uncertain Significance.

Fulgent Genetics
Classification: Uncertain significance for Joubert syndrome 7; Meckel syndrome, type 5; COACH syndrome 3. Last evaluated: 2021-12-27. Review status: criteria provided, single submitter. Criteria: ACMG Guidelines, 2015. Collection method: clinical testing. Allele origin: unknown.

PreventionGenetics, part of Exact Sciences
Classification: Uncertain significance for RPGRIP1L-related condition. Last evaluated: 2024-06-07. Review status: no assertion criteria provided. Collection method: clinical testing. Allele origin: germline. Not counted in ClinVar's aggregate classification.
Comment: The RPGRIP1L c.1913A>G variant is predicted to result in the amino acid substitution p.Tyr638Cys. To our knowledge, this variant has not been reported in the literature. This variant is reported in 0.0054% of alleles in individuals of East Asian descent in gnomAD. At this time, the clinical significance of this variant is uncertain due to the absence of conclusive functional and genetic evidence.

NM_015272.5(RPGRIP1L):c.1913A>G (p.Tyr638Cys)

Gene: RPGRIP1L (RPGRIP1 like; minus strand). Cytogenetic location: 16q12.2.
Variant type: single nucleotide variant.
Coding change: c.1913A>G on transcript NM_015272.5 (MANE Select); coding-DNA position 1913, A replaced by G.
Protein change: p.Tyr638Cys; replaces tyrosine 638 with cysteine.
Molecular consequence: missense variant.
Genome position (GRCh38, 1-based): chr16:53,652,774, T>C on the plus strand (A>G on the coding strand, the complement: RPGRIP1L is on the minus strand). VCF-style: chr16-53652774-T-C. GRCh37 (hg19) VCF-style: chr16-53686686-T-C.
Other names: c.1913A>G (NM_015272.4); c.1913A>G, p.Tyr638Cys (NM_001127897.4, NM_001308334.3, NM_001330538.2); short protein forms Y638C.
Identifiers: ClinVar variation 1503833 (VCV001503833.8), dbSNP rs981992752, ClinGen allele CA281344114.